The following is an entry in ClinVar:

NM_001257180.2(SLC20A2):c.51T>C (p.Ala17=)

Gene: SLC20A2 (solute carrier family 20 member 2; minus strand). Cytogenetic location: 8p11.21.
Variant type: single nucleotide variant.
Coding change: c.51T>C on transcript NM_001257180.2 (MANE Select); coding-DNA position 51, T replaced by C.
Protein change: p.Ala17=; no amino-acid change (alanine 17 retained).
Molecular consequence: synonymous variant.
Genome position (GRCh38, 1-based): chr8:42,472,340, A>G on the plus strand (T>C on the coding strand, the complement: SLC20A2 is on the minus strand). VCF-style: chr8-42472340-A-G. GRCh37 (hg19) VCF-style: chr8-42329858-A-G.
Other names: c.51T>C, p.Ala17= (NM_001257181.2, NM_006749.5).
Identifiers: ClinVar variation 4986584 (VCV004986584.1).

ClinVar aggregate classification (germline): Likely benign (1 of 4 stars; one submission).

Conditions:
SLC20A2-related disorder. Also called: SLC20A2-related condition.

gnomAD v4.1: 4 of 1,614,194 alleles (0.00025%); highest among the groups gnomAD compares: Non-Finnish European, 0.00034%; no homozygotes.

Submission:

PreventionGenetics, part of Exact Sciences
Classification: Likely benign for SLC20A2-related condition. Last evaluated: 2025-12-17. Review status: criteria provided, single submitter. Criteria: ACMG Guidelines, 2015. Collection method: clinical testing. Allele origin: germline.
Comment: This variant is classified as likely benign based on ACMG/AMP sequence variant interpretation guidelines (Richards et al. 2015 PMID: 25741868, with internal and published modifications).